The following is an entry in ClinVar:

NM_017654.4(SAMD9):c.266G>A (p.Gly89Glu)

Gene: SAMD9 (sterile alpha motif domain containing 9; minus strand). Cytogenetic location: 7q21.2.
Variant type: single nucleotide variant.
Coding change: c.266G>A on transcript NM_017654.4 (MANE Select); coding-DNA position 266, G replaced by A.
Protein change: p.Gly89Glu; replaces glycine 89 with glutamic acid.
Molecular consequence: missense variant.
Genome position (GRCh38, 1-based): chr7:93,105,832, C>T on the plus strand (G>A on the coding strand, the complement: SAMD9 is on the minus strand). VCF-style: chr7-93105832-C-T. GRCh37 (hg19) VCF-style: chr7-92735145-C-T.
Other names: c.266G>A, p.Gly89Glu (NM_001193307.2); short protein forms G89E.
Identifiers: ClinVar variation 2580724 (VCV002580724.5), dbSNP rs1043918112, ClinGen allele CA161995100.

ClinVar aggregate classification (germline): Uncertain significance. Review status: criteria provided, multiple submitters, no conflicts (2 of 4 stars). 3 submissions from 3 submitters: Uncertain significance (3). Last evaluated 2025-02-09.

Conditions:
Inborn genetic diseases. Identifiers: MedGen C0950123, MeSH D030342.

Allele frequency attached by ClinVar (database versions not stated): gnomAD exomes below 0.00001; gnomAD 0.00002; TOPMed 0.00002.

Submissions (3):

Ambry Genetics
Classification: Uncertain significance for Inborn genetic diseases. Last evaluated: 2025-02-09. Review status: criteria provided, single submitter. Criteria: Ambry Variant Classification Scheme 2023. Collection method: clinical testing. Allele origin: germline.

Labcorp Genetics (formerly Invitae), Labcorp
Classification: Uncertain significance. Last evaluated: 2023-11-27. Review status: criteria provided, single submitter. Criteria: Invitae Variant Classification Sherloc (09022015). Collection method: clinical testing. Allele origin: germline.
Comment: This sequence change replaces glycine, which is neutral and non-polar, with glutamic acid, which is acidic and polar, at codon 89 of the SAMD9 protein (p.Gly89Glu). This variant is present in population databases (no rsID available, gnomAD 0.003%). This variant has not been reported in the literature in individuals affected with SAMD9-related conditions. ClinVar contains an entry for this variant (Variation ID: 2580724). Advanced modeling of protein sequence and biophysical properties (such as structural, functional, and spatial information, amino acid conservation, physicochemical variation, residue mobility, and thermodynamic stability) performed at Invitae indicates that this missense variant is not expected to disrupt SAMD9 protein function with a negative predictive value of 95%. In summary, the available evidence is currently insufficient to determine the role of this variant in disease. Therefore, it has been classified as a Variant of Uncertain Significance.

GeneDx
Classification: Uncertain significance. Last evaluated: 2023-03-24. Review status: criteria provided, single submitter. Criteria: GeneDx Variant Classification Process June 2021. Collection method: clinical testing. Allele origin: germline. Affected: yes.
Comment: Not observed at significant frequency in large population cohorts (gnomAD); In silico analysis supports that this missense variant does not alter protein structure/function; Has not been previously published as pathogenic or benign to our knowledge